The following is an entry in ClinVar:

NM_000142.5(FGFR3):c.2129G>T (p.Gly710Val)

Gene: FGFR3 (fibroblast growth factor receptor 3; plus strand). Cytogenetic location: 4p16.3.
Variant type: single nucleotide variant.
Coding change: c.2129G>T on transcript NM_000142.5 (MANE Select); coding-DNA position 2129, G replaced by T.
Protein change: p.Gly710Val; replaces glycine 710 with valine.
Molecular consequence: missense variant. On other transcripts: synonymous variant (1), non-coding transcript variant (1).
Genome position (GRCh38, 1-based): chr4:1,806,644, G>T. VCF-style: chr4-1806644-G-T. GRCh37 (hg19) VCF-style: chr4-1808371-G-T.
Other names: c.2135G>T, p.Gly712Val (NM_001163213.2); c.2132G>T, p.Gly711Val (NM_001354809.2); c.2061G>T, p.Gly687= (NM_001354810.2); c.1793G>T, p.Gly598Val (NM_022965.4); short protein forms G710V, G598V, G712V, G711V.
Identifiers: ClinVar variation 132967 (VCV000132967.1), dbSNP rs104886023, ClinGen allele CA156297.

ClinVar aggregate classification (germline): not provided (0 of 4 stars; one submission).

Conditions:
Ovarian neoplasm. Also called: Ovarian Neoplasms; Neoplasm of ovary; Ovarian tumor. Identifiers: MedGen C0919267, MeSH D010051, MONDO:0021068, HP:0100615.

Submission:

Laboratory of Translational Genomics,  National Cancer Institute
No classification provided. Condition: Neoplasm of ovary. Review status: no classification provided. Collection method: not provided. Allele origin: somatic.
Comment: Ovarian Cancer specimen